The following is an entry in ClinVar:

ClinVar aggregate classification (germline): Uncertain significance (1 of 4 stars; one submission).

Conditions:
Inborn genetic diseases. Identifiers: MedGen C0950123, MeSH D030342.

Allele frequency attached by ClinVar (database versions not stated): gnomAD exomes below 0.00001; gnomAD 0.00001; TOPMed 0.00001.
gnomAD v4.1: 2 of 1,553,140 alleles (0.00013%); highest among the groups gnomAD compares: Non-Finnish European, 0.00017%; no homozygotes.

Submission:

Ambry Genetics
Classification: Uncertain significance for Inborn genetic diseases. Last evaluated: 2022-03-17. Review status: criteria provided, single submitter. Criteria: Ambry Variant Classification Scheme 2023. Collection method: clinical testing. Allele origin: germline.
Comment: The p.R1073H variant (also known as c.3218G>A), located in coding exon 23 of the LTBP3 gene, results from a G to A substitution at nucleotide position 3218. The arginine at codon 1073 is replaced by histidine, an amino acid with highly similar properties. This amino acid position is conserved. In addition, the in silico prediction for this alteration is inconclusive. Since supporting evidence is limited at this time, the clinical significance of this alteration remains unclear.

NM_001130144.3(LTBP3):c.3218G>A (p.Arg1073His)

Genes: LTBP3 (latent transforming growth factor beta binding protein 3; minus strand), LOC121832793 (Sharpr-MPRA regulatory region 4001; plus strand). Cytogenetic location: 11q13.1.
Variant type: single nucleotide variant.
Coding change: c.3218G>A on transcript NM_001130144.3 (MANE Select); coding-DNA position 3218, G replaced by A.
Protein change: p.Arg1073His; replaces arginine 1073 with histidine.
Molecular consequence: missense variant.
Genome position (GRCh38, 1-based): chr11:65,540,271, C>T on the plus strand (G>A on the coding strand, the complement: LTBP3 is on the minus strand). VCF-style: chr11-65540271-C-T. GRCh37 (hg19) VCF-style: chr11-65307742-C-T.
Other names: c.2867G>A, p.Arg956His (NM_001164266.1); c.3218G>A, p.Arg1073His (NM_021070.4); short protein forms R1073H, R956H.
Identifiers: ClinVar variation 1729012 (VCV001729012.2), dbSNP rs940533065, ClinGen allele CA224009312.